The following is an entry in ClinVar:

ClinVar aggregate classification (germline): Uncertain significance (1 of 4 stars; one submission).

gnomAD v4.1: 2 of 1,613,962 alleles (0.00012%); highest among the groups gnomAD compares: Admixed American, 0.0017%; no homozygotes.

Submission:

Ambry Genetics
Classification: Uncertain significance. Last evaluated: 2024-05-16. Review status: criteria provided, single submitter. Criteria: Ambry Variant Classification Scheme 2023. Collection method: clinical testing. Allele origin: germline.
Comment: The p.C641Y variant (also known as c.1922G>A), located in coding exon 17 of the BUB1 gene, results from a G to A substitution at nucleotide position 1922. The cysteine at codon 641 is replaced by tyrosine, an amino acid with highly dissimilar properties. This amino acid position is conserved. In addition, this alteration is predicted to be tolerated by in silico analysis. Based on the available evidence, the clinical significance of this variant remains unclear.

NM_004336.5(BUB1):c.1922G>A (p.Cys641Tyr)

Gene: BUB1 (BUB1 mitotic checkpoint serine/threonine kinase; minus strand). Cytogenetic location: 2q13.
Variant type: single nucleotide variant.
Coding change: c.1922G>A on transcript NM_004336.5 (MANE Select); coding-DNA position 1922, G replaced by A.
Protein change: p.Cys641Tyr; replaces cysteine 641 with tyrosine.
Molecular consequence: missense variant.
Genome position (GRCh38, 1-based): chr2:110,653,478, C>T on the plus strand (G>A on the coding strand, the complement: BUB1 is on the minus strand). VCF-style: chr2-110653478-C-T. GRCh37 (hg19) VCF-style: chr2-111411055-C-T.
Other names: c.1862G>A, p.Cys621Tyr (NM_001278616.2); c.1922G>A, p.Cys641Tyr (NM_001278617.2); short protein forms C621Y, C641Y.
Identifiers: ClinVar variation 3262157 (VCV003262157.1).